The following is an entry in ClinVar:

ClinVar aggregate classification (germline): Pathogenic (1 of 4 stars; one submission).

Conditions:
Congenital myasthenic syndrome 2A. Also called: Myasthenic syndrome, congenital, 2a, slow-channel. Identifiers: Orphanet 590, MedGen C4225374, MONDO:0014581, OMIM 616313.

Submission:

Labcorp Genetics (formerly Invitae), Labcorp
Classification: Pathogenic for Congenital myasthenic syndrome 2A. Last evaluated: 2025-08-20. Review status: criteria provided, single submitter. Criteria: Invitae Variant Classification Sherloc (09022015). Collection method: clinical testing. Allele origin: germline.
Comment: This sequence change creates a premature translational stop signal (p.Thr288Metfs*73) in the CHRNB1 gene. It is expected to result in an absent or disrupted protein product. Loss-of-function variants in CHRNB1 are known to be pathogenic (PMID: 10562302). This variant is not present in population databases (gnomAD no frequency). This variant has not been reported in the literature in individuals affected with CHRNB1-related conditions. For these reasons, this variant has been classified as Pathogenic.

Literature cited by the submitters: PubMed 10562302.

NM_000747.3(CHRNB1):c.863del (p.Thr288fs)

Gene: CHRNB1 (cholinergic receptor nicotinic beta 1 subunit; plus strand). Cytogenetic location: 17p13.1.
Variant type: Deletion.
Coding change: c.863del on transcript NM_000747.3 (MANE Select); coding-DNA position 863, one base deleted (C; older notation c.863delC).
Protein change: p.Thr288fs; shifts the reading frame from threonine 288.
Molecular consequence: frameshift variant.
Genome position (GRCh38, 1-based): chr17:7,454,339, C deleted. VCF-style (leftmost placement, unchanged base first): chr17-7454338-AC-A. GRCh37 (hg19) VCF-style: chr17-7357657-AC-A.
Other names: short protein forms T288fs.
Identifiers: ClinVar variation 4702847 (VCV004702847.1).